The following is an entry in ClinVar:

NM_007055.4(POLR3A):c.229G>T (p.Ala77Ser)

Genes: POLR3A (RNA polymerase III subunit A; minus strand), LOC126860971 (CDK7 strongly-dependent group 2 enhancer GRCh37_chr10:79784551-79785750; plus strand). Cytogenetic location: 10q22.3.
Variant type: single nucleotide variant.
Coding change: c.229G>T on transcript NM_007055.4 (MANE Select); coding-DNA position 229, G replaced by T.
Protein change: p.Ala77Ser; replaces alanine 77 with serine.
Molecular consequence: missense variant.
Genome position (GRCh38, 1-based): chr10:78,025,711, C>A on the plus strand (G>T on the coding strand, the complement: POLR3A is on the minus strand). VCF-style: chr10-78025711-C-A. GRCh37 (hg19) VCF-style: chr10-79785469-C-A.
Other names: c.229G>T (NM_007055.3); short protein forms A77S.
Identifiers: ClinVar variation 1405154 (VCV001405154.4), dbSNP rs137870981, ClinGen allele CA5571756.

ClinVar aggregate classification (germline): Uncertain significance. Review status: criteria provided, multiple submitters, no conflicts (2 of 4 stars). 2 submissions from 2 submitters: Uncertain significance (2). Last evaluated 2024-02-21.

Conditions:
Inborn genetic diseases. Identifiers: MedGen C0950123, MeSH D030342.

Allele frequency attached by ClinVar (database versions not stated): gnomAD exomes below 0.00001 and 0.00002; ExAC 0.00005; gnomAD 0.00006; TOPMed 0.00011; ESP Exome Variant Server 0.00023.
gnomAD v4.1: 10 of 1,613,956 alleles (0.00062%); highest among the groups gnomAD compares: African/African-American, 0.012%; no homozygotes.

Submissions (2):

Ambry Genetics
Classification: Uncertain significance for Inborn genetic diseases. Last evaluated: 2024-02-21. Review status: criteria provided, single submitter. Criteria: Ambry Variant Classification Scheme 2023. Collection method: clinical testing. Allele origin: germline.

Labcorp Genetics (formerly Invitae), Labcorp
Classification: Uncertain significance. Last evaluated: 2022-06-14. Review status: criteria provided, single submitter. Criteria: Invitae Variant Classification Sherloc (09022015). Collection method: clinical testing. Allele origin: germline.
Comment: This sequence change replaces alanine, which is neutral and non-polar, with serine, which is neutral and polar, at codon 77 of the POLR3A protein (p.Ala77Ser). This variant is present in population databases (rs137870981, gnomAD 0.02%). This variant has not been reported in the literature in individuals affected with POLR3A-related conditions. Algorithms developed to predict the effect of missense changes on protein structure and function (SIFT, PolyPhen-2, Align-GVGD) all suggest that this variant is likely to be tolerated. In summary, the available evidence is currently insufficient to determine the role of this variant in disease. Therefore, it has been classified as a Variant of Uncertain Significance.